The following is an entry in ClinVar:

NM_000142.5(FGFR3):c.1109G>T (p.Gly370Val)

Gene: FGFR3 (fibroblast growth factor receptor 3; plus strand). Cytogenetic location: 4p16.3.
Variant type: single nucleotide variant.
Coding change: c.1109G>T on transcript NM_000142.5 (MANE Select); coding-DNA position 1109, G replaced by T.
Protein change: p.Gly370Val; replaces glycine 370 with valine.
Molecular consequence: missense variant. On other transcripts: non-coding transcript variant (1), intron variant (1).
Genome position (GRCh38, 1-based): chr4:1,804,363, G>T. VCF-style: chr4-1804363-G-T. GRCh37 (hg19) VCF-style: chr4-1806090-G-T.
Other names: c.1115G>T, p.Gly372Val (NM_001163213.2); c.1109G>T, p.Gly370Val (NM_001354809.2, NM_001354810.2); c.931-461G>T (NM_022965.4); short protein forms G370V, G372V.
Identifiers: ClinVar variation 3041186 (VCV003041186.3), dbSNP rs1721596338, ClinGen allele CA355978908.
Genomic context (GRCh38, chr4:1,804,363, plus strand): 5'-CAGGCCTCAACGCCCATGTCTTTGCAGCCGAGGAGGAGCTGGTGGAGGCTGACGAGGCGG[G>T]CAGTGTGTATGCAGGCATCCTCAGCTACGGGGTGGGCTTCTTCCTGTTCATCCTGGTGGT-3'
Protein context (NP_000133.1, residues 360-380): EEELVEADEA[Gly370Val]SVYAGILSYG

ClinVar aggregate classification (germline): Uncertain significance (1 of 4 stars; one submission).

Conditions:
FGFR3-related disorder. Also called: FGFR3-related disorders.

Allele frequency attached by ClinVar (database versions not stated): gnomAD exomes below 0.00001.
gnomAD v4.1: 1 of 1,612,042 alleles (0.000062%); highest among the groups gnomAD compares: Non-Finnish European, 0.000085%; no homozygotes.

Submission:

PreventionGenetics, part of Exact Sciences
Classification: Uncertain significance for FGFR3-related condition. Last evaluated: 2025-04-25. Review status: criteria provided, single submitter. Criteria: ACMG Guidelines, 2015. Collection method: clinical testing. Allele origin: germline.
Comment: The FGFR3 c.1109G>T variant is predicted to result in the amino acid substitution p.Gly370Val. To our knowledge, this variant has not been reported in the literature. An alternate substitution of this amino acid residue (p.Gly370Cys) has been reported in individuals with thanatophoric dysplasia (see for example at Rousseau et al. 1996. PubMed ID: 8845844; Riba et al. 2021. PubMed ID: 34672771; Table S1, Mohan et al. 2022. PubMed ID: 34358384). This variant is absent in the large population database gnomAD v2. However, in gnomAD v4 (available only on GRCh38), this variant is reported in 0.00008% of alleles in individuals of European (Non-Finnish) decent. This variant has also been detected in patients undergoing genetic testing for conditions unrelated to skeletal disorders (PreventionGenetics internal data). Although we suspect that this variant may be pathogenic, at this time, the clinical significance of the c.1109G>T (p.Gly370Val) variant is uncertain due to the absence of conclusive functional and genetic evidence.